The following is an entry in ClinVar:

NM_001165963.4(SCN1A):c.344A>G (p.Asn115Ser)

Gene: SCN1A (sodium voltage-gated channel alpha subunit 1; minus strand). Cytogenetic location: 2q24.3.
Variant type: single nucleotide variant.
Coding change: c.344A>G on transcript NM_001165963.4 (MANE Select); coding-DNA position 344, A replaced by G.
Protein change: p.Asn115Ser; replaces asparagine 115 with serine.
Molecular consequence: missense variant. On other transcripts: 5 prime UTR variant (1), non-coding transcript variant (1).
Genome position (GRCh38, 1-based): chr2:166,058,609, T>C on the plus strand (A>G on the coding strand, the complement: SCN1A is on the minus strand). VCF-style: chr2-166058609-T-C. GRCh37 (hg19) VCF-style: chr2-166915119-T-C.
Other names: c.344A>G, p.Asn115Ser (NM_001165964.3, NM_001202435.3, NM_001353948.2 and 10 more transcripts); c.-2082A>G (NM_001353961.2); short protein forms N115S.
Identifiers: ClinVar variation 838984 (VCV000838984.13), dbSNP rs1699357096, ClinGen allele CA349076941.

ClinVar aggregate classification (germline): Conflicting classifications of pathogenicity. Review status: criteria provided, conflicting classifications (1 of 4 stars). 2 submissions from 2 submitters: Likely pathogenic (1); Uncertain significance (1). Last evaluated 2026-01-20.

Conditions:
Early-infantile DEE. Also called: Ohtahara syndrome; Early infantile epileptic encephalopathy with suppression bursts; Early infantile epileptic encephalopathy. Identifiers: Orphanet 1934, MedGen C0393706, MONDO:0800491.

Submissions (2):

Labcorp Genetics (formerly Invitae), Labcorp
Classification: Uncertain significance for Early-infantile DEE. Last evaluated: 2026-01-20. Review status: criteria provided, single submitter. Criteria: Invitae Variant Classification Sherloc (09022015). Collection method: clinical testing. Allele origin: germline.
Comment: This sequence change replaces asparagine, which is neutral and polar, with serine, which is neutral and polar, at codon 115 of the SCN1A protein (p.Asn115Ser). This variant is not present in population databases (gnomAD no frequency). This variant has not been reported in the literature in individuals affected with SCN1A-related conditions. ClinVar contains an entry for this variant (Variation ID: 838984). Invitae Evidence Modeling of protein sequence and biophysical properties (such as structural, functional, and spatial information, amino acid conservation, physicochemical variation, residue mobility, and thermodynamic stability) has been performed for this missense variant. However, the output from this modeling did not meet the statistical confidence thresholds required to predict the impact of this variant on SCN1A protein function. This variant disrupts the p.Asn115 amino acid residue in SCN1A. Other variant(s) that disrupt this residue have been determined to be pathogenic (PMID: 29933521; internal data). This suggests that this residue is clinically significant, and that variants that disrupt this residue are likely to be disease-causing. In summary, the available evidence is currently insufficient to determine the role of this variant in disease. Therefore, it has been classified as a Variant of Uncertain Significance.

GeneDx
Classification: Likely pathogenic. Last evaluated: 2024-03-11. Review status: criteria provided, single submitter. Criteria: GeneDx Variant Classification Process June 2021. Collection method: clinical testing. Allele origin: germline. Affected: yes.
Comment: Not observed at significant frequency in large population cohorts (gnomAD); In silico analysis supports that this missense variant has a deleterious effect on protein structure/function; This substitution is predicted to be within the N-terminal cytoplasmic domain; Has not been previously published as pathogenic or benign to our knowledge

Literature cited by the submitters: PubMed 29933521 (cited by Labcorp Genetics (formerly Invitae), Labcorp).